The following is an entry in ClinVar:

NM_001286.5(CLCN6):c.697C>T (p.Arg233Ter)

Gene: CLCN6 (Cl-/H+ antiporter 6; plus strand). Cytogenetic location: 1p36.22.
Variant type: single nucleotide variant.
Coding change: c.697C>T on transcript NM_001286.5 (MANE Select); coding-DNA position 697, C replaced by T.
Protein change: p.Arg233Ter; replaces arginine 233 with a stop codon.
Molecular consequence: nonsense. On other transcripts: non-coding transcript variant (1).
Genome position (GRCh38, 1-based): chr1:11,826,204, C>T. VCF-style: chr1-11826204-C-T. GRCh37 (hg19) VCF-style: chr1-11886261-C-T.
Other names: c.631C>T, p.Arg211Ter (NM_001256959.2); short protein forms R211*, R233*.
Identifiers: ClinVar variation 2032597 (VCV002032597.5), dbSNP rs2523117082, ClinGen allele CA338428613.

ClinVar aggregate classification (germline): Uncertain significance. Review status: criteria provided, multiple submitters, no conflicts (2 of 4 stars). 2 submissions from 2 submitters: Uncertain significance (2). Last evaluated 2024-04-04.

Conditions:
Neuronal ceroid lipofuscinosis 15. Also called: Neurodegeneration, childhood-onset, with hypotonia, respiratory insufficiency, and brain imaging abnormalities; Neurodegeneration, childhood-onset, hypotonia, respiratory insufficiency and brain imaging abnormalities. Identifiers: Orphanet 610573, MedGen C5543020, MONDO:0030947, OMIM 619173.

Allele frequency attached by ClinVar (database versions not stated): gnomAD exomes below 0.00001.
gnomAD v4.1: 4 of 1,613,594 alleles (0.00025%); highest among the groups gnomAD compares: African/African-American, 0.0013%; no homozygotes.

Submissions (2):

Genomic Medicine Center of Excellence, King Faisal Specialist Hospital and Research Centre
Classification: Uncertain significance for Neuronal ceroid lipofuscinosis 15. Last evaluated: 2024-04-04. Review status: criteria provided, single submitter. Criteria: ACMG Guidelines, 2015. Collection method: clinical testing. Allele origin: germline.

Labcorp Genetics (formerly Invitae), Labcorp
Classification: Uncertain significance. Last evaluated: 2022-09-25. Review status: criteria provided, single submitter. Criteria: Invitae Variant Classification Sherloc (09022015). Collection method: clinical testing. Allele origin: germline.
Comment: This sequence change creates a premature translational stop signal (p.Arg233*) in the CLCN6 gene. It is expected to result in an absent or disrupted protein product. However, the current clinical and genetic evidence is not sufficient to establish whether loss-of-function variants in CLCN6 cause disease. This variant is not present in population databases (gnomAD no frequency). This variant has not been reported in the literature in individuals affected with CLCN6-related conditions. In summary, the available evidence is currently insufficient to determine the role of this variant in disease. Therefore, it has been classified as a Variant of Uncertain Significance.